The following is an entry in ClinVar:

ClinVar aggregate classification (germline): Uncertain significance (1 of 4 stars; one submission).

Conditions:
Wilson disease (WND). Also called: Wilson's disease. Identifiers: Orphanet 905, MedGen C0019202, MONDO:0010200, OMIM 277900. Disease mechanism: loss of function.

Allele frequency attached by ClinVar (database versions not stated): gnomAD exomes below 0.00001; ExAC 0.00001.
gnomAD v4.1: 2 of 1,613,740 alleles (0.00012%); highest among the groups gnomAD compares: Admixed American, 0.0033%; no homozygotes.

Submission:

All of Us Research Program, National Institutes of Health
Classification: Uncertain significance for Wilson disease. Last evaluated: 2023-12-13. Review status: criteria provided, single submitter. Criteria: ACMG Guidelines, 2015. Collection method: clinical testing. Allele origin: germline. Inheritance: Autosomal recessive inheritance. Observed: 2 variant alleles, 2 heterozygotes.
Comment: This synonymous variant causes a G>A nucleotide change in exon 20 of the ATP7B protein. Studies in minigene assays showed this variant causes abnormal splicing (PMID: 33719328). This variant has not been reported in individuals affected with Wilson disease in the literature. This variant has been identified in 2/246900 chromosomes in the general population by the Genome Aggregation Database (gnomAD). The available evidence is insufficient to determine the role of this variant in disease conclusively. Therefore, this variant is classified as a Variant of Uncertain Significance.

This study involves interpretation of variants in research participants for the purpose of population health screening. Participant phenotype was not available at the time of variant classification. Additional details can be found in publication PMID: 35346344, PMCID: PMC8962531

Literature cited by the submitters: PubMed 33719328.

NM_000053.4(ATP7B):c.4098G>A (p.Val1366=)

Gene: ATP7B (ATPase copper transporting beta; minus strand). Cytogenetic location: 13q14.3.
Variant type: single nucleotide variant.
Coding change: c.4098G>A on transcript NM_000053.4 (MANE Select); coding-DNA position 4098, G replaced by A.
Protein change: p.Val1366=; no amino-acid change (valine 1366 retained).
Molecular consequence: synonymous variant.
Genome position (GRCh38, 1-based): chr13:51,935,619, C>T on the plus strand (G>A on the coding strand, the complement: ATP7B is on the minus strand). VCF-style: chr13-51935619-C-T. GRCh37 (hg19) VCF-style: chr13-52509755-C-T.
Other names: c.3477G>A, p.Val1159= (NM_001005918.3); c.3765G>A, p.Val1255= (NM_001243182.2); c.3864G>A, p.Val1288= (NM_001330578.2, NM_001406527.1, NM_001406528.1); c.3846G>A, p.Val1282= (NM_001330579.2, NM_001406531.1, NM_001406532.1); c.4098G>A, p.Val1366= (NM_001406511.1, NM_001406512.1); c.4092G>A, p.Val1364= (NM_001406513.1); c.4065G>A, p.Val1355= (NM_001406514.1); c.4044G>A, p.Val1348= (NM_001406515.1, NM_001406516.1); and 21 more.
Identifiers: ClinVar variation 3075578 (VCV003075578.1), dbSNP rs778646271, ClinGen allele CA6988492.